The following is an entry in ClinVar:

NM_000444.6(PHEX):c.840G>A (p.Lys280=)

Gene: PHEX (phosphate regulating endopeptidase X-linked; plus strand). Cytogenetic location: Xp22.11.
Variant type: single nucleotide variant.
Coding change: c.840G>A on transcript NM_000444.6 (MANE Select); coding-DNA position 840, G replaced by A.
Protein change: p.Lys280=; no amino-acid change (lysine 280 retained).
Molecular consequence: synonymous variant.
Genome position (GRCh38, 1-based): chrX:22,094,090, G>A. VCF-style: chrX-22094090-G-A. GRCh37 (hg19) VCF-style: chrX-22112208-G-A.
Other names: c.840G>A, p.Lys280= (NM_001282754.2); c.840G>A (NM_000444.5).
Identifiers: ClinVar variation 2417227 (VCV002417227.10), dbSNP rs147430384, ClinGen allele CA10368113.
Genomic context (GRCh38, chrX:22,094,090, plus strand): 5'-AGGAGCTAACAGTTCCAGAGCAGAGCATGACATGAAGTCAGTGCTCAGATTGGAAATTAA[G>A]ATAGCTGAGGTAAGTCTTCACTGAAAATCTCTTTCTTTCCTTTACTTTCTTTTCTTTTCC-3'
Protein context (NP_000435.3, residues 270-290): DMKSVLRLEI[Lys280=]IAEIMIPHEN

ClinVar aggregate classification (germline): Benign/Likely benign. Review status: criteria provided, multiple submitters, no conflicts (2 of 4 stars). 3 submissions from 3 submitters: Benign (1); Likely benign (1). 1 of the submissions does not count toward it. Last evaluated 2025-10-24.

Conditions:
PHEX-related disorder. Also called: PHEX-related condition.

Allele frequency attached by ClinVar (database versions not stated): gnomAD exomes 0.00007; ESP Exome Variant Server 0.00009; ExAC 0.00012; gnomAD 0.00025; TOPMed 0.00029; 1000 Genomes Project 30x 0.00042; 1000 Genomes Project 0.00053.
gnomAD v4.1: 97 of 1,093,772 alleles (0.0089%); highest among the groups gnomAD compares: African/African-American, 0.12%; 1 homozygote.

Submissions (3):

Labcorp Genetics (formerly Invitae), Labcorp
Classification: Benign. Last evaluated: 2025-10-24. Review status: criteria provided, single submitter. Criteria: Invitae Variant Classification Sherloc (09022015). Collection method: clinical testing. Allele origin: germline.

Blueprint Genetics
Classification: Likely benign. Last evaluated: 2023-10-26. Review status: criteria provided, single submitter. Criteria: ACMG Guidelines, 2015. Collection method: clinical testing. Allele origin: germline.

PreventionGenetics, part of Exact Sciences
Classification: Likely benign for PHEX-related condition. Last evaluated: 2019-08-20. Review status: no assertion criteria provided. Collection method: clinical testing. Allele origin: germline. Not counted in ClinVar's aggregate classification.
Comment: This variant is classified as likely benign based on ACMG/AMP sequence variant interpretation guidelines (Richards et al. 2015 PMID: 25741868, with internal and published modifications).